The following is an entry in ClinVar:

NM_007294.4(BRCA1):c.5406+14G>C

Gene: BRCA1 (BRCA1 DNA repair associated; minus strand). Cytogenetic location: 17q21.31.
Variant type: single nucleotide variant.
Coding change: c.5406+14G>C on transcript NM_007294.4 (MANE Select); 14 bases into the intron after coding-DNA position 5406, G replaced by C.
Molecular consequence: intron variant.
Genome position (GRCh38, 1-based): chr17:43,049,107, C>G on the plus strand (G>C on the coding strand, the complement: BRCA1 is on the minus strand). VCF-style: chr17-43049107-C-G. GRCh37 (hg19) VCF-style: chr17-41201124-C-G.
Other names: c.1953+14G>C (NM_001408458.1, NM_001408461.1, NM_001408464.1 and 7 more transcripts); c.4515+14G>C (NM_001407967.1); c.5025+14G>C (NM_001407959.1); c.5139+14G>C (NM_001407931.1, NM_001407932.1, NM_001407928.1 and 4 more transcripts); c.5262+14G>C (NM_001407747.1, NM_001407745.1, NM_001407737.1 and 18 more transcripts); c.5022+14G>C (NM_001407962.1, NM_001407960.1); c.1593+14G>C (NM_001408512.1); c.1716+14G>C (NM_001408510.1); and 84 more.
Identifiers: ClinVar variation 868446 (VCV000868446.3), dbSNP rs1208169773, ClinGen allele CA916080822.

Conditions:
Breast-ovarian cancer, familial, susceptibility to, 1 (BROVCA1). Also called: BRCA1 Hereditary Breast and Ovarian Cancer; OVARIAN CANCER, SUSCEPTIBILITY TO. Identifiers: Orphanet 145, MedGen C2676676, MONDO:0011450, OMIM 604370. Disease mechanism: loss of function.

Submission:

Brotman Baty Institute, University of Washington
No classification provided (evidence only). Condition: Breast-ovarian cancer, familial 1. Review status: no classification provided. Collection method: in vitro. Allele origin: not applicable. Functional consequence: functionally_normal.
ClinVar note: "not provided" was previously submitted as the classification for the variant. However, the classification appeared to be based only on an observation of functional data so it was converted to no classification on 2025-07-30.